The following is an entry in ClinVar:

NM_002693.3(POLG):c.-28T>G

Genes: POLG (DNA polymerase gamma, catalytic subunit; minus strand), POLGARF (POLG alternative reading frame; minus strand). Cytogenetic location: 15q26.1.
Variant type: single nucleotide variant.
Coding change: c.-28T>G on transcript NM_002693.3 (MANE Select); 28 bases upstream of the start codon, T replaced by G.
Molecular consequence: 5 prime UTR variant.
Genome position (GRCh38, 1-based): chr15:89,333,782, A>C on the plus strand (T>G on the coding strand, the complement: POLG is on the minus strand). VCF-style: chr15-89333782-A-C. GRCh37 (hg19) VCF-style: chr15-89877013-A-C.
Other names: c.-28T>G (NM_001126131.2).
Identifiers: ClinVar variation 516496 (VCV000516496.1), dbSNP rs1284152513, ClinGen allele CA658798421.

ClinVar aggregate classification (germline): Likely benign (1 of 4 stars; one submission).

Allele frequency attached by ClinVar (database versions not stated): gnomAD exomes below 0.00001; TOPMed 0.00001; gnomAD 0.00002.
gnomAD v4.1: 11 of 1,534,614 alleles (0.00072%); highest among the groups gnomAD compares: Non-Finnish European, 0.0007%; no homozygotes.

Submission:

GeneDx
Classification: Likely benign. Last evaluated: 2017-03-24. Review status: criteria provided, single submitter. Criteria: GeneDx Variant Classification (06012015). Collection method: clinical testing. Allele origin: germline. Affected: yes.
Comment: This variant is considered likely benign or benign based on one or more of the following criteria: it is a conservative change, it occurs at a poorly conserved position in the protein, it is predicted to be benign by multiple in silico algorithms, and/or has population frequency not consistent with disease.